The following is an entry in ClinVar:

NM_005476.7(GNE):c.1373C>T (p.Ala458Val)

Gene: GNE (glucosamine (UDP-N-acetyl)-2-epimerase/N-acetylmannosamine kinase; minus strand). Cytogenetic location: 9p13.3.
Variant type: single nucleotide variant.
Coding change: c.1373C>T on transcript NM_005476.7 (MANE Select); coding-DNA position 1373, C replaced by T.
Protein change: p.Ala458Val; replaces alanine 458 with valine.
Molecular consequence: missense variant.
Genome position (GRCh38, 1-based): chr9:36,223,411, G>A on the plus strand (C>T on the coding strand, the complement: GNE is on the minus strand). VCF-style: chr9-36223411-G-A. GRCh37 (hg19) VCF-style: chr9-36223408-G-A.
Other names: c.1466C>T, p.Ala489Val (NM_001128227.3); c.1373C>T, p.Ala458Val (NM_001190383.3); c.1043C>T, p.Ala348Val (NM_001190384.3); c.1196C>T, p.Ala399Val (NM_001190388.2, NM_001374798.1); c.1220C>T, p.Ala407Val (NM_001374797.1); short protein forms A348V, A399V, A407V, A458V, A489V.
Identifiers: ClinVar variation 3749460 (VCV003749460.2).

ClinVar aggregate classification (germline): Uncertain significance (1 of 4 stars; one submission).

Conditions:
Sialuria. Also called: Sialic Acid Storage Disease; SIALURIA, FRENCH TYPE. Identifiers: Orphanet 3166, MedGen C0342853, MONDO:0010028, OMIM 269921.
GNE myopathy (NM). Also called: INCLUSION BODY MYOPATHY 2, AUTOSOMAL RECESSIVE; INCLUSION BODY MYOPATHY, HEREDITARY, AUTOSOMAL RECESSIVE; MYOPATHY, DISTAL, WITH OR WITHOUT RIMMED VACUOLES; IBM 2; Inclusion body myopathy autosomal recessive; Inclusion body myopathy quadriceps sparing. Identifiers: Orphanet 602, MedGen C1853926, MONDO:0011603, OMIM 605820.

gnomAD v4.1: 4 of 1,613,216 alleles (0.00025%); highest among the groups gnomAD compares: Non-Finnish European, 0.00034%; no homozygotes.

Submission:

Labcorp Genetics (formerly Invitae), Labcorp
Classification: Uncertain significance for Sialuria; GNE myopathy. Last evaluated: 2024-09-04. Review status: criteria provided, single submitter. Criteria: Invitae Variant Classification Sherloc (09022015). Collection method: clinical testing. Allele origin: germline.
Comment: This sequence change replaces alanine, which is neutral and non-polar, with valine, which is neutral and non-polar, at codon 489 of the GNE protein (p.Ala489Val). This variant is present in population databases (no rsID available, gnomAD 0.0009%). This variant has not been reported in the literature in individuals affected with GNE-related conditions. Invitae Evidence Modeling of protein sequence and biophysical properties (such as structural, functional, and spatial information, amino acid conservation, physicochemical variation, residue mobility, and thermodynamic stability) has been performed for this missense variant. However, the output from this modeling did not meet the statistical confidence thresholds required to predict the impact of this variant on GNE protein function. In summary, the available evidence is currently insufficient to determine the role of this variant in disease. Therefore, it has been classified as a Variant of Uncertain Significance.